The following is an entry in ClinVar:

NR_199791.1(RNU2-2):n.106G>A

Genes: RNU2-2 (RNA, U2 small nuclear 2; minus strand), WDR74 (WD repeat domain 74; minus strand). Cytogenetic location: 11q12.3.
Variant type: single nucleotide variant.
Molecular consequence: non-coding transcript variant (on NR_199791.1). On other transcripts: 5 prime UTR variant (1).
Genome position: GRCh38 VCF-style: chr11-62841704-C-T. GRCh37 (hg19) VCF-style: chr11-62609176-C-T.
Other names: c.-433G>A (NM_001369451.1).
Identifiers: ClinVar variation 4540505 (VCV004540505.1).

ClinVar aggregate classification (germline): Uncertain significance (1 of 4 stars; one submission).

Submission:

Institute for Human Genetics, University Hospital Essen
Classification: Uncertain significance. Last evaluated: 2025-11-27. Review status: criteria provided, single submitter. Criteria: Submitter's publication. Collection method: clinical testing. Allele origin: inherited. Inheritance: Autosomal unknown. Affected: yes. Observed: 1 variant allele, 1 compound heterozygote.
Comment: PM1 (criteria rationale detailed in Leitão et al. Nature Genetics 2026)